The following is an entry in ClinVar:

ClinVar aggregate classification (germline): Likely benign (0 of 4 stars; one submission).

Conditions:
MYLK-related disorder. Also called: MYLK-related condition.

Allele frequency attached by ClinVar (database versions not stated): gnomAD exomes below 0.00001; TOPMed 0.00001.
gnomAD v4.1: 5 of 1,614,232 alleles (0.00031%); highest among the groups gnomAD compares: African/African-American, 0.004%; no homozygotes.

Submission:

PreventionGenetics, part of Exact Sciences
Classification: Likely benign for MYLK-related condition. Last evaluated: 2020-02-14. Review status: no assertion criteria provided. Collection method: clinical testing. Allele origin: germline.
Comment: This variant is classified as likely benign based on ACMG/AMP sequence variant interpretation guidelines (Richards et al. 2015 PMID: 25741868, with internal and published modifications).

NM_053025.4(MYLK):c.3771G>A (p.Leu1257=)

Gene: MYLK (myosin light chain kinase; minus strand). Cytogenetic location: 3q21.1.
Variant type: single nucleotide variant.
Coding change: c.3771G>A on transcript NM_053025.4 (MANE Select); coding-DNA position 3771, G replaced by A.
Protein change: p.Leu1257=; no amino-acid change (leucine 1257 retained).
Molecular consequence: synonymous variant.
Genome position (GRCh38, 1-based): chr3:123,666,279, C>T on the plus strand (G>A on the coding strand, the complement: MYLK is on the minus strand). VCF-style: chr3-123666279-C-T. GRCh37 (hg19) VCF-style: chr3-123385126-C-T.
Other names: c.3243G>A, p.Leu1081= (NM_001321309.2); c.3564G>A, p.Leu1188= (NM_053026.4, NM_053028.4); c.3771G>A, p.Leu1257= (NM_053027.4).
Identifiers: ClinVar variation 3051714 (VCV003051714.2), dbSNP rs748739195, ClinGen allele CA070178.